The following is an entry in ClinVar:

ClinVar aggregate classification (germline): Uncertain significance (1 of 4 stars; one submission).

Submission:

CeGaT Center for Human Genetics Tuebingen
Classification: Uncertain significance. Last evaluated: 2026-03-01. Review status: criteria provided, single submitter. Criteria: CeGaT Center For Human Genetics Tuebingen Variant Classification Criteria Version 2. Collection method: clinical testing. Allele origin: germline. Affected: yes. Observed: 1 variant allele.
Comment: ARHGEF10: PM2, BP4

NM_014629.4(ARHGEF10):c.857T>C (p.Leu286Pro)

Gene: ARHGEF10 (Rho guanine nucleotide exchange factor 10; plus strand). Cytogenetic location: 8p23.3.
Variant type: single nucleotide variant.
Coding change: c.857T>C on transcript NM_014629.4 (MANE Select); coding-DNA position 857, T replaced by C.
Protein change: p.Leu286Pro; replaces leucine 286 with proline.
Molecular consequence: missense variant. On other transcripts: intron variant (4).
Genome position (GRCh38, 1-based): chr8:1,880,061, T>C. VCF-style: chr8-1880061-T-C. GRCh37 (hg19) VCF-style: chr8-1828227-T-C.
Other names: c.860T>C, p.Leu287Pro (NM_001308153.3, NM_001438091.1); c.847-2574T>C (NM_001438092.1, NM_001308152.2, NM_001438094.1); c.844-2574T>C (NM_001438093.1); short protein forms L286P, L287P, L311P.
Identifiers: ClinVar variation 4821817 (VCV004821817.4).
Genomic context (GRCh38, chr8:1,880,061, plus strand): 5'-CCAAAAAGAGCCTTTTTGTGAAAAGACTGTGTCTCTTTATGCTGTAGCTTTCTCATGACC[T>C]AACCCGTTTAAAGGAGCACTATGAGAAAAAGATGAGAGATTTGATGGCAAGCACGGTGGG-3'
Protein context (NP_055444.2, residues 276-296): SNHKKQLSHD[Leu286Pro]TRLKEHYEKK